The following is an entry in ClinVar:

ClinVar aggregate classification (germline): Uncertain significance (1 of 4 stars; one submission).

Submission:

Labcorp Genetics (formerly Invitae), Labcorp
Classification: Uncertain significance. Last evaluated: 2025-03-19. Review status: criteria provided, single submitter. Criteria: Invitae Variant Classification Sherloc (09022015). Collection method: clinical testing. Allele origin: germline.
Comment: This sequence change replaces lysine, which is basic and polar, with asparagine, which is neutral and polar, at codon 100 of the MSH3 protein (p.Lys100Asn). This variant is not present in population databases (gnomAD no frequency). This variant has not been reported in the literature in individuals affected with MSH3-related conditions. An algorithm developed to predict the effect of missense changes on protein structure and function (PolyPhen-2) suggests that this variant is likely to be disruptive. In summary, the available evidence is currently insufficient to determine the role of this variant in disease. Therefore, it has been classified as a Variant of Uncertain Significance.

NM_002439.5(MSH3):c.300A>T (p.Lys100Asn)

Gene: MSH3 (mutS homolog 3; plus strand). Cytogenetic location: 5q14.1.
Variant type: single nucleotide variant.
Coding change: c.300A>T on transcript NM_002439.5 (MANE Select); coding-DNA position 300, A replaced by T.
Protein change: p.Lys100Asn; replaces lysine 100 with asparagine.
Molecular consequence: missense variant.
Genome position (GRCh38, 1-based): chr5:80,656,473, A>T. VCF-style: chr5-80656473-A-T. GRCh37 (hg19) VCF-style: chr5-79952292-A-T.
Other names: short protein forms K100N.
Identifiers: ClinVar variation 4715436 (VCV004715436.1).